The following is an entry in ClinVar:

ClinVar aggregate classification (germline): Uncertain significance (1 of 4 stars; one submission).

Conditions:
Hereditary cancer-predisposing syndrome. Also called: Tumor predisposition; Hereditary Cancer Syndrome; Neoplastic Syndromes, Hereditary; Hereditary neoplastic syndrome. Identifiers: Orphanet 140162, MedGen C0027672, MeSH D009386, MONDO:0015356.

Submission:

Ambry Genetics
Classification: Uncertain significance for Hereditary cancer-predisposing syndrome. Last evaluated: 2021-12-11. Review status: criteria provided, single submitter. Criteria: Ambry Variant Classification Scheme 2023. Collection method: clinical testing. Allele origin: germline.
Comment: The p.I847V variant (also known as c.2539A>G), located in coding exon 11 of the BLM gene, results from an A to G substitution at nucleotide position 2539. The isoleucine at codon 847 is replaced by valine, an amino acid with highly similar properties. This amino acid position is conserved. In addition, this alteration is predicted to be tolerated by in silico analysis. Since supporting evidence is limited at this time, the clinical significance of this alteration remains unclear.

NM_000057.4(BLM):c.2539A>G (p.Ile847Val)

Gene: BLM (BLM RecQ like helicase; plus strand). Cytogenetic location: 15q26.1.
Variant type: single nucleotide variant.
Coding change: c.2539A>G on transcript NM_000057.4 (MANE Select); coding-DNA position 2539, A replaced by G.
Protein change: p.Ile847Val; replaces isoleucine 847 with valine.
Molecular consequence: missense variant.
Genome position (GRCh38, 1-based): chr15:90,769,570, A>G. VCF-style: chr15-90769570-A-G. GRCh37 (hg19) VCF-style: chr15-91312800-A-G.
Other names: c.2539A>G, p.Ile847Val (NM_001287246.2, NM_001287247.2); c.1414A>G, p.Ile472Val (NM_001287248.2); short protein forms I847V, I472V.
Identifiers: ClinVar variation 1792787 (VCV001792787.2), dbSNP rs1896243843, ClinGen allele CA393845533.